The following is an entry in ClinVar:

NC_000011.10:g.8038876G>T

Gene: TUB (TUB bipartite transcription factor; plus strand). Cytogenetic location: 11p15.4.
Variant type: single nucleotide variant.
Molecular consequence: missense variant, initiator codon variant (on NM_003320.5). On other transcripts: intron variant (4).
Genome position: GRCh38 VCF-style: chr11-8038876-G-T. GRCh37 (hg19) VCF-style: chr11-8060423-G-T.
Other names: c.3G>T, p.Met1Ile (NM_003320.5); c.56+19518G>T (NM_001440538.1, NM_001440539.1, NM_001440540.1 and 1 more transcripts); short protein forms M1I.
Identifiers: ClinVar variation 1387700 (VCV001387700.5), dbSNP rs2133727461, ClinGen allele CA379565444.

ClinVar aggregate classification (germline): Uncertain significance (1 of 4 stars; one submission).

Submission:

Labcorp Genetics (formerly Invitae), Labcorp
Classification: Uncertain significance. Last evaluated: 2022-05-30. Review status: criteria provided, single submitter. Criteria: Invitae Variant Classification Sherloc (09022015). Collection method: clinical testing. Allele origin: germline.
Comment: This sequence change affects the initiator methionine of the TUB mRNA. The next in-frame methionine is located at codon 30. This variant is not present in population databases (gnomAD no frequency). This variant has not been reported in the literature in individuals affected with TUB-related conditions. ClinVar contains an entry for this variant (Variation ID: 1387700). In summary, the available evidence is currently insufficient to determine the role of this variant in disease. Therefore, it has been classified as a Variant of Uncertain Significance.